The following is an entry in ClinVar:

ClinVar aggregate classification (germline): Pathogenic (1 of 4 stars; one submission).

Conditions:
Ehlers-Danlos syndrome, classic type, 1 (EDSCL1). Also called: Ehlers-Danlos Syndrome, Classic Type, COL5A1-Related; EDS I; Ehlers-Danlos syndrome, type 1; EHLERS-DANLOS SYNDROME, GRAVIS TYPE; EHLERS-DANLOS SYNDROME, SEVERE CLASSIC TYPE. Identifiers: MedGen C0268335, MONDO:0019567, OMIM 130000.

Submission:

Labcorp Genetics (formerly Invitae), Labcorp
Classification: Pathogenic for Ehlers-Danlos syndrome, classic type, 1. Last evaluated: 2018-05-07. Review status: criteria provided, single submitter. Criteria: Invitae Variant Classification Sherloc (09022015). Collection method: clinical testing. Allele origin: germline.
Comment: This variant is not present in population databases (ExAC no frequency). This sequence change creates a premature translational stop signal (p.Leu1229Cysfs*47) in the COL5A1 gene. It is expected to result in an absent or disrupted protein product. This variant has not been reported in the literature in individuals with COL5A1-related disease. For these reasons, this variant has been classified as Pathogenic. Loss-of-function variants in COL5A1 are known to be pathogenic (PMID: 23587214).

Literature cited by the submitters: PubMed 23587214.

NM_000093.5(COL5A1):c.3684del (p.Leu1229fs)

Gene: COL5A1 (collagen type V alpha 1 chain; plus strand). Cytogenetic location: 9q34.3.
Variant type: Deletion.
Coding change: c.3684del on transcript NM_000093.5 (MANE Select); coding-DNA position 3684, one base deleted (G; older notation c.3684delG).
Protein change: p.Leu1229fs; shifts the reading frame from leucine 1229.
Molecular consequence: frameshift variant.
Genome position (GRCh38, 1-based): chr9:134,811,593, G deleted; the last of 4 consecutive G bases (chr9:134,811,590-134,811,593); deleting any one gives the same sequence. VCF-style (leftmost placement, unchanged base first): chr9-134811589-TG-T. GRCh37 (hg19) VCF-style: chr9-137703435-TG-T.
Other names: c.3684del, p.Leu1229fs (NM_001278074.1); c.3684delG (NM_000093.4); short protein forms L1229fs.
Identifiers: ClinVar variation 568293 (VCV000568293.8), dbSNP rs1564475090, ClinGen allele CA891843055.